The following is an entry in ClinVar:

ClinVar aggregate classification (germline): Uncertain significance (1 of 4 stars; one submission).

Allele frequency attached by ClinVar (database versions not stated): gnomAD exomes below 0.00001.
gnomAD v4.1: 1 of 1,613,956 alleles (0.000062%); highest among the groups gnomAD compares: Non-Finnish European, 0.000085%; no homozygotes.

Submission:

Labcorp Genetics (formerly Invitae), Labcorp
Classification: Uncertain significance. Last evaluated: 2022-04-11. Review status: criteria provided, single submitter. Criteria: Invitae Variant Classification Sherloc (09022015). Collection method: clinical testing. Allele origin: germline.
Comment: In summary, the available evidence is currently insufficient to determine the role of this variant in disease. Therefore, it has been classified as a Variant of Uncertain Significance. Algorithms developed to predict the effect of missense changes on protein structure and function output the following: SIFT: "Tolerated"; PolyPhen-2: "Benign"; Align-GVGD: "Class C0". The asparagine amino acid residue is found in multiple mammalian species, which suggests that this missense change does not adversely affect protein function. This variant has not been reported in the literature in individuals affected with MICAL1-related conditions. This variant is not present in population databases (gnomAD no frequency). This sequence change replaces lysine, which is basic and polar, with asparagine, which is neutral and polar, at codon 986 of the MICAL1 protein (p.Lys986Asn).

NM_022765.4(MICAL1):c.2901G>T (p.Lys967Asn)

Gene: MICAL1 (microtubule associated monooxygenase, calponin and LIM domain containing 1; minus strand). Cytogenetic location: 6q21.
Variant type: single nucleotide variant.
Coding change: c.2901G>T on transcript NM_022765.4 (MANE Select); coding-DNA position 2901, G replaced by T.
Protein change: p.Lys967Asn; replaces lysine 967 with asparagine.
Molecular consequence: missense variant.
Genome position (GRCh38, 1-based): chr6:109,444,976, C>A on the plus strand (G>T on the coding strand, the complement: MICAL1 is on the minus strand). VCF-style: chr6-109444976-C-A. GRCh37 (hg19) VCF-style: chr6-109766179-C-A.
Other names: c.2643G>T, p.Lys881Asn (NM_001159291.2); c.2958G>T, p.Lys986Asn (NM_001286613.2); short protein forms K986N, K967N, K881N.
Identifiers: ClinVar variation 1969815 (VCV001969815.5), dbSNP rs1562285554, ClinGen allele CA365221299.